The following is an entry in ClinVar:

ClinVar aggregate classification (germline): Uncertain significance. Review status: criteria provided, multiple submitters, no conflicts (2 of 4 stars). 4 submissions from 3 submitters: Uncertain significance (4). Last evaluated 2021-08-31.

Conditions:
Sotos syndrome (SOTOS). Also called: Distinctive facial appearance, overgrowth in childhood, and learning disabilities or delayed development; CHROMOSOME 5q35 DELETION SYNDROME; CEREBRAL GIGANTISM; Sotos' syndrome; SOTOS SYNDROME 1. Identifiers: Orphanet 821, MedGen C0175695, MONDO:0019349, OMIM 117550.
Beckwith-Wiedemann syndrome (BWS). Also called: EMG SYNDROME; Exomphalos macroglossia gigantism syndrome. Identifiers: Orphanet 116, MedGen C0004903, MONDO:0007534, OMIM 130650.

Submissions (4):

Labcorp Genetics (formerly Invitae), Labcorp
Classification: Uncertain significance. Last evaluated: 2021-08-31. Review status: criteria provided, single submitter. Criteria: Invitae Variant Classification Sherloc (09022015). Collection method: clinical testing. Allele origin: germline.

Genome-Nilou Lab
Classification: Uncertain significance for Sotos syndrome. Last evaluated: 2021-07-15. Review status: criteria provided, single submitter. Criteria: ACMG Guidelines, 2015. Collection method: clinical testing. Allele origin: germline. Affected: no.

Labcorp Genetics (formerly Invitae), Labcorp
Classification: Uncertain significance for Beckwith-Wiedemann syndrome. Last evaluated: 2018-09-04. Review status: criteria provided, single submitter. Criteria: Invitae Variant Classification Sherloc (09022015). Collection method: clinical testing. Allele origin: germline.
Comment: This sequence change replaces alanine with isoleucine at codon 1186 of the NSD1 protein (p.Ala1186Ile). TheÂ¬â€ alanineÂ¬â€ residue is weakly conserved and there is a moderate physicochemical difference betweenÂ¬â€ alanineÂ¬â€ andÂ¬â€ isoleucine. This variant is not present in population databases (ExAC no frequency). This variant has not been reported in the literature in individuals with NSD1-related disease. ClinVar contains an entry for this variant (Variation ID: 197855). Algorithms developed to predict the effect of missense changes on protein structure and function (SIFT, PolyPhen-2, Align-GVGD) all suggest that this variant is likely to be tolerated, but these predictions have not been confirmed by published functional studies and their clinical significance is uncertain. In summary, the available evidence is currently insufficient to determine the role of this variant in disease. Therefore, it has been classified as a Variant of Uncertain Significance.

Eurofins Ntd Llc (ga)
Classification: Uncertain significance. Last evaluated: 2015-01-02. Review status: criteria provided, single submitter. Criteria: EGL Classification Definitions 2015. Collection method: clinical testing. Allele origin: germline. Observed: 1 variant allele, 1 heterozygote.

NM_022455.5(NSD1):c.3556_3557delinsAT (p.Ala1186Ile)

Gene: NSD1 (nuclear receptor binding SET domain protein 1; plus strand). Cytogenetic location: 5q35.3.
Variant type: Indel.
Coding change: c.3556_3557delinsAT on transcript NM_022455.5 (MANE Select); coding-DNA positions 3556 to 3557, GC replaced by AT.
Protein change: p.Ala1186Ile; replaces alanine 1186 with isoleucine.
Molecular consequence: missense variant.
Genome position (GRCh38, 1-based): chr5:177,211,955-177,211,956, GC replaced by AT. VCF-style: chr5-177211955-GC-AT. GRCh37 (hg19) VCF-style: chr5-176638956-GC-AT.
Other names: c.2683_2684delGCinsAT, p.Ala895Ile (NM_001365684.2, NM_001409306.1, NM_001409307.1 and 3 more transcripts); c.3556_3557delGCinsAT, p.Ala1186Ile (NM_001409301.1, NM_001409302.1, NM_001409303.1); c.3136_3137delGCinsAT, p.Ala1046Ile (NM_001409304.1); c.2803_2804delGCinsAT, p.Ala935Ile (NM_001409305.1); short protein forms A1186I, A917I, A1046I, A895I, A935I.
Identifiers: ClinVar variation 197855 (VCV000197855.13), dbSNP rs797044760, ClinGen allele CA246233.